The following is an entry in ClinVar:

NM_182961.4(SYNE1):c.22589+4G>T

Gene: SYNE1 (spectrin repeat containing nuclear envelope protein 1; minus strand). Cytogenetic location: 6q25.2.
Variant type: single nucleotide variant.
Coding change: c.22589+4G>T on transcript NM_182961.4 (MANE Select); 4 bases into the intron after coding-DNA position 22589, G replaced by T.
Molecular consequence: intron variant.
Genome position (GRCh38, 1-based): chr6:152,211,490, C>A on the plus strand (G>T on the coding strand, the complement: SYNE1 is on the minus strand). VCF-style: chr6-152211490-C-A. GRCh37 (hg19) VCF-style: chr6-152532625-C-A.
Other names: c.22376+4G>T (NM_033071.5).
Identifiers: ClinVar variation 538423 (VCV000538423.8), dbSNP rs563408259, ClinGen allele CA4053841.
Genomic context (GRCh38, chr6:152,211,490, plus strand): 5'-CATTAAAAAGAAAATGACTAATTTACTGGAACCTTTCTTTGTAATAATTTATCAAAGATC[C>A]TACCTGTCATCAACTTGACCTTGTTCTAGAAGACGTTGCCCATCAATAATGATTGAGTGC-3'

ClinVar aggregate classification (germline): Conflicting classifications of pathogenicity. Review status: criteria provided, conflicting classifications (1 of 4 stars). 2 submissions from 2 submitters: Uncertain significance (1); Likely benign (1). Last evaluated 2022-07-03.

Conditions:
Emery-Dreifuss muscular dystrophy 4, autosomal dominant (EDMD4). Also called: EMERY-DREIFUSS MUSCULAR DYSTROPHY 4 WITH VARIABLE FEATURES. Identifiers: Orphanet 261, MedGen C2751807, MONDO:0013071, OMIM 612998.
Autosomal recessive ataxia, Beauce type. Also called: Spinocerebellar ataxia, autosomal recessive 8; ATAXIA, RECESSIVE, OF BEAUCE; SYNE1-Related Autosomal Recessive Cerebellar Ataxia; SYNE1 Deficiency. Identifiers: Orphanet 88644, MedGen C1853116, MONDO:0012549, OMIM 610743.

Allele frequency attached by ClinVar (database versions not stated): ExAC 0.00001; gnomAD 0.00001; 1000 Genomes Project 30x 0.00016; 1000 Genomes Project 0.00020.
gnomAD v4.1: 5 of 1,611,276 alleles (0.00031%); highest among the groups gnomAD compares: Admixed American, 0.0083%; no homozygotes.

Submissions (2):

Labcorp Genetics (formerly Invitae), Labcorp
Classification: Uncertain significance for Emery-Dreifuss muscular dystrophy 4, autosomal dominant; Autosomal recessive ataxia, Beauce type. Last evaluated: 2022-07-03. Review status: criteria provided, single submitter. Criteria: Invitae Variant Classification Sherloc (09022015). Collection method: clinical testing. Allele origin: germline.
Comment: This sequence change falls in intron 123 of the SYNE1 gene. It does not directly change the encoded amino acid sequence of the SYNE1 protein. It affects a nucleotide within the consensus splice site. In summary, the available evidence is currently insufficient to determine the role of this variant in disease. Therefore, it has been classified as a Variant of Uncertain Significance. Variants that disrupt the consensus splice site are a relatively common cause of aberrant splicing (PMID: 17576681, 9536098). Algorithms developed to predict the effect of sequence changes on RNA splicing suggest that this variant is not likely to affect RNA splicing. ClinVar contains an entry for this variant (Variation ID: 538423). This variant has not been reported in the literature in individuals affected with SYNE1-related conditions. This variant is present in population databases (rs563408259, gnomAD 0.003%).

Blueprint Genetics
Classification: Likely benign. Last evaluated: 2020-08-13. Review status: criteria provided, single submitter. Criteria: ACMG Guidelines, 2015. Collection method: clinical testing. Allele origin: germline.

Literature cited by the submitters: PubMed 17576681 (cited by Labcorp Genetics (formerly Invitae), Labcorp); PubMed 9536098 (cited by Labcorp Genetics (formerly Invitae), Labcorp).